The following is an entry in ClinVar:

NM_020822.3(KCNT1):c.3457G>C (p.Val1153Leu)

Gene: KCNT1 (potassium sodium-activated channel subfamily T member 1; plus strand). Cytogenetic location: 9q34.3.
Variant type: single nucleotide variant.
Coding change: c.3457G>C on transcript NM_020822.3 (MANE Select); coding-DNA position 3457, G replaced by C.
Protein change: p.Val1153Leu; replaces valine 1153 with leucine.
Molecular consequence: missense variant.
Genome position (GRCh38, 1-based): chr9:135,786,476, G>C. VCF-style: chr9-135786476-G-C. GRCh37 (hg19) VCF-style: chr9-138678322-G-C.
Other names: c.3322G>C, p.Val1108Leu (NM_001272003.2); short protein forms V1108L, V1153L.
Identifiers: ClinVar variation 3749253 (VCV003749253.2).

ClinVar aggregate classification (germline): Uncertain significance (1 of 4 stars; one submission).

Conditions:
Autosomal dominant nocturnal frontal lobe epilepsy 5. Also called: KCNT1-Related Epilepsy; CILIARY DYSKINESIA, PRIMARY, 28, WITHOUT SITUS INVERSUS; CILIARY DYSKINESIA, PRIMARY, 28, WITH SITUS INVERSUS; Epilepsy, nocturnal frontal lobe, 5. Identifiers: Orphanet 98784, MedGen C3554306, MONDO:0014002, OMIM 615005.
Developmental and epileptic encephalopathy, 14 (DEE14). Also called: Early infantile epileptic encephalopathy 14. Identifiers: Orphanet 293181, MedGen C3554195, MONDO:0013989, OMIM 614959.

Submission:

Labcorp Genetics (formerly Invitae), Labcorp
Classification: Uncertain significance for Autosomal dominant nocturnal frontal lobe epilepsy 5; Developmental and epileptic encephalopathy, 14. Last evaluated: 2025-05-04. Review status: criteria provided, single submitter. Criteria: Invitae Variant Classification Sherloc (09022015). Collection method: clinical testing. Allele origin: germline.
Comment: This sequence change replaces valine, which is neutral and non-polar, with leucine, which is neutral and non-polar, at codon 1153 of the KCNT1 protein (p.Val1153Leu). This variant is not present in population databases (gnomAD no frequency). This variant has not been reported in the literature in individuals affected with KCNT1-related conditions. ClinVar contains an entry for this variant (Variation ID: 3749253). Invitae Evidence Modeling of protein sequence and biophysical properties (such as structural, functional, and spatial information, amino acid conservation, physicochemical variation, residue mobility, and thermodynamic stability) indicates that this missense variant is expected to disrupt KCNT1 protein function with a positive predictive value of 80%. In summary, the available evidence is currently insufficient to determine the role of this variant in disease. Therefore, it has been classified as a Variant of Uncertain Significance.